The following is an entry in ClinVar:

NM_012414.4(RAB3GAP2):c.3961A>G (p.Thr1321Ala)

Gene: RAB3GAP2 (RAB3 GTPase activating non-catalytic protein subunit 2; minus strand). Cytogenetic location: 1q41.
Variant type: single nucleotide variant.
Coding change: c.3961A>G on transcript NM_012414.4 (MANE Select); coding-DNA position 3961, A replaced by G.
Protein change: p.Thr1321Ala; replaces threonine 1321 with alanine.
Molecular consequence: missense variant.
Genome position (GRCh38, 1-based): chr1:220,151,671, T>C on the plus strand (A>G on the coding strand, the complement: RAB3GAP2 is on the minus strand). VCF-style: chr1-220151671-T-C. GRCh37 (hg19) VCF-style: chr1-220325013-T-C.
Other names: short protein forms T1321A.
Identifiers: ClinVar variation 1307709 (VCV001307709.3), dbSNP rs1571871092, ClinGen allele CA344624618.

ClinVar aggregate classification (germline): Uncertain significance. Review status: criteria provided, multiple submitters, no conflicts (2 of 4 stars). 2 submissions from 2 submitters: Uncertain significance (2). Last evaluated 2025-11-24.

Conditions:
Inborn genetic diseases. Identifiers: MedGen C0950123, MeSH D030342.

Allele frequency attached by ClinVar (database versions not stated): gnomAD exomes below 0.00001.
gnomAD v4.1: 1 of 1,611,730 alleles (0.000062%); highest among the groups gnomAD compares: African/African-American, 0.0013%; no homozygotes.

Submissions (2):

Ambry Genetics
Classification: Uncertain significance for Inborn genetic diseases. Last evaluated: 2025-11-24. Review status: criteria provided, single submitter. Criteria: Ambry Variant Classification Scheme 2023. Collection method: clinical testing. Allele origin: germline.

GeneDx
Classification: Uncertain significance. Last evaluated: 2020-09-28. Review status: criteria provided, single submitter. Criteria: GeneDx Variant Classification Process June 2021. Collection method: clinical testing. Allele origin: germline. Affected: yes.
Comment: Not observed in large population cohorts (Lek et al., 2016); In silico analysis, which includes protein predictors and evolutionary conservation, supports that this variant does not alter protein structure/function; Has not been previously published as pathogenic or benign to our knowledge